The following is an entry in ClinVar:

ClinVar aggregate classification (germline): Pathogenic. Review status: criteria provided, multiple submitters, no conflicts (2 of 4 stars). 7 submissions from 7 submitters: Pathogenic (4). 3 of the submissions do not count toward it. Last evaluated 2024-01-16.

Conditions:
Deficiency of alpha-mannosidase (MANSA). Also called: LYSOSOMAL ALPHA-D-MANNOSIDASE DEFICIENCY; Alpha-Mannosidosis; Mannosidosis, alpha-, types I and II. Identifiers: Orphanet 61, MedGen C0024748, MONDO:0009561, OMIM 248500.

Allele frequency attached by ClinVar (database versions not stated): gnomAD exomes 0.00001; TOPMed 0.00001; ExAC 0.00002; gnomAD 0.00002.
gnomAD v4.1: 10 of 1,610,244 alleles (0.00062%); highest among the groups gnomAD compares: African/African-American, 0.004%; no homozygotes.

Submissions (7):

Labcorp Genetics (formerly Invitae), Labcorp
Classification: Pathogenic for Deficiency of alpha-mannosidase. Last evaluated: 2024-01-16. Review status: criteria provided, single submitter. Criteria: Invitae Variant Classification Sherloc (09022015). Collection method: clinical testing. Allele origin: germline.
Comment: This sequence change creates a premature translational stop signal (p.Arg760*) in the MAN2B1 gene. It is expected to result in an absent or disrupted protein product. Loss-of-function variants in MAN2B1 are known to be pathogenic (PMID: 9915946, 22161967). The frequency data for this variant in the population databases is considered unreliable, as metrics indicate poor data quality at this position in the gnomAD database. This premature translational stop signal has been observed in individual(s) with clinical features of mannosidosis (PMID: 9758606). ClinVar contains an entry for this variant (Variation ID: 1685). Algorithms developed to predict the effect of sequence changes on RNA splicing suggest that this variant may disrupt the consensus splice site. For these reasons, this variant has been classified as Pathogenic.

Baylor Genetics
Classification: Pathogenic for Deficiency of alpha-mannosidase. Last evaluated: 2023-08-09. Review status: criteria provided, single submitter. Criteria: ACMG Guidelines, 2015. Collection method: clinical testing. Allele origin: unknown.

Genome-Nilou Lab
Classification: Pathogenic for Deficiency of alpha-mannosidase. Last evaluated: 2021-09-05. Review status: criteria provided, single submitter. Criteria: ACMG Guidelines, 2015. Collection method: clinical testing. Allele origin: germline. Affected: no.

Women's Health and Genetics/Laboratory Corporation of America, LabCorp
Classification: Pathogenic for Deficiency of alpha-mannosidase. Last evaluated: 2017-03-02. Review status: criteria provided, single submitter. Criteria: LabCorp Variant Classification Summary - May 2015. Collection method: clinical testing. Allele origin: germline.
Comment: Variant summary: The MAN2B1 c.2278C>T (p.Arg760X) variant results in a premature termination codon, predicted to cause a truncated or absent MAN2B1 protein due to nonsense mediated decay, which are commonly known mechanisms for disease. The variant of interest was observed in the large, broad control population, ExAC, with an allele frequency of 2/108116 (1/54058), which does not exceed the estimated maximal expected allele frequency for a pathogenic MAN2B1 variant of 1/632. A publication, Godota_1998, cites the variant in a sibling pair, where both sisters were homozygous for the variant. Authors indicate that the variant causes a Lysosomal alpha-mannosidosis type 2, with a milder phenotype, hypothesized by "The nonsense mutation in the alpha-mannosidase gene is located in exon 19, at a point ~75% along the length of the protein. This nonsense mutation likely encodes an unstable mRNA, such that a relatively stable but defective protein is produced that can show partial activity toward alpha-mannose residues in vivo." In addition, multiple clinical diagnostic laboratories/reputable databases classified this variant as likely pathogenic/pathogenic. Taken together, this variant is classified as pathogenic.

Natera, Inc.
Classification: Pathogenic for Alpha-mannosidosis. Last evaluated: 2020-09-16. Review status: no assertion criteria provided. Collection method: clinical testing. Allele origin: germline. Not counted in ClinVar's aggregate classification.

Counsyl
Classification: Likely pathogenic for Deficiency of alpha-mannosidase. Last evaluated: 2014-07-30. Review status: no assertion criteria provided. Collection method: literature only. Allele origin: unknown. Inheritance: Autosomal recessive inheritance. Not counted in ClinVar's aggregate classification.

OMIM
Classification: Pathogenic for ALPHA-MANNOSIDOSIS. Last evaluated: 1998-10-01. Review status: no assertion criteria provided. Collection method: literature only. Allele origin: germline. Not counted in ClinVar's aggregate classification.

Literature cited by the submitters: PubMed 9915946 (cited by Labcorp Genetics (formerly Invitae), Labcorp); PubMed 22161967 (cited by Labcorp Genetics (formerly Invitae), Labcorp); PubMed 9758606 (cited by 4 submitters); PubMed 19958498 (cited by Counsyl).

NM_000528.4(MAN2B1):c.2278C>T (p.Arg760Ter)

Gene: MAN2B1 (mannosidase alpha class 2B member 1; minus strand). Cytogenetic location: 19p13.13.
Variant type: single nucleotide variant.
Coding change: c.2278C>T on transcript NM_000528.4 (MANE Select); coding-DNA position 2278, C replaced by T.
Protein change: p.Arg760Ter; replaces arginine 760 with a stop codon.
Molecular consequence: nonsense.
Genome position (GRCh38, 1-based): chr19:12,649,418, G>A on the plus strand (C>T on the coding strand, the complement: MAN2B1 is on the minus strand). VCF-style: chr19-12649418-G-A. GRCh37 (hg19) VCF-style: chr19-12760232-G-A.
Other names: c.2275C>T, p.Arg759Ter (NM_001173498.2); short protein forms R760*, R759*.
Identifiers: ClinVar variation 1685 (VCV000001685.12), dbSNP rs121434331, ClinGen allele CA251911.